The following is an entry in ClinVar:

NM_019112.4(ABCA7):c.1621G>A (p.Val541Met)

Gene: ABCA7 (ATP binding cassette subfamily A member 7; plus strand). Cytogenetic location: 19p13.3.
Variant type: single nucleotide variant.
Coding change: c.1621G>A on transcript NM_019112.4 (MANE Select); coding-DNA position 1621, G replaced by A.
Protein change: p.Val541Met; replaces valine 541 with methionine.
Molecular consequence: missense variant.
Genome position (GRCh38, 1-based): chr19:1,046,405, G>A. VCF-style: chr19-1046405-G-A. GRCh37 (hg19) VCF-style: chr19-1046404-G-A.
Other names: short protein forms V541M.
Identifiers: ClinVar variation 444439 (VCV000444439.5), dbSNP rs150419414, ClinGen allele CA9033133.
Genomic context (GRCh38, chr19:1,046,405, plus strand): 5'-GCCAACCCCCGGGCCGGCCTCTACCTGCAGCAGATGCCCTATCCGTGCTATGTGGACGAC[G>A]TGTGAGCTCTGGCACCCCTCCCCGCTCTTCCCCGCGGCGGGAAGGTCCCGGGTGTGGGGG-3'
Protein context (NP_061985.2, residues 531-551): QMPYPCYVDD[Val541Met]FLRVLSRSLP

ClinVar aggregate classification (germline): Conflicting classifications of pathogenicity. Review status: criteria provided, conflicting classifications (1 of 4 stars). 3 submissions from 3 submitters: Uncertain significance (1); Likely benign (2). Last evaluated 2025-02-25.

Allele frequency attached by ClinVar (database versions not stated): ExAC 0.00068; gnomAD exomes 0.00071; gnomAD 0.00215 and 0.00229; TOPMed 0.00222; 1000 Genomes Project 0.00260; ESP Exome Variant Server 0.00262; 1000 Genomes Project 30x 0.00281.
gnomAD v4.1: 745 of 1,544,284 alleles (0.048%); highest among the groups gnomAD compares: African/African-American, 0.75%; 4 homozygotes.

Submissions (3):

Women's Health and Genetics/Laboratory Corporation of America, LabCorp
Classification: Likely benign. Last evaluated: 2025-02-25. Review status: criteria provided, single submitter. Criteria: LabCorp Variant Classification Summary - May 2015. Collection method: clinical testing. Allele origin: germline.
Comment: Variant summary: ABCA7 c.1621G>A (p.Val541Met) results in a conservative amino acid change in the encoded protein sequence. Four of five in-silico tools predict a benign effect of the variant on protein function. Consensus agreement among computation tools predict no significant impact on normal splicing. However, these predictions have yet to be confirmed by functional studies. The variant allele was found at a frequency of 0.00071 in 198810 control chromosomes in the gnomAD database, including 2 homozygotes. This frequency is not significantly higher than estimated for a pathogenic variant in ABCA7 causing Alzheimer Disease, Type 9, allowing no conclusion about variant significance. c.1621G>A has been reported in the literature in at-least one individual affected with Alzheimer Disease, without strong evidence of causality (example: Cuyvers_2015). These report(s) do not provide unequivocal conclusions about association of the variant with Alzheimer Disease, Type 9. To our knowledge, no experimental evidence demonstrating an impact on protein function has been reported. The following publication have been ascertained in the context of this evaluation (PMID: 26141617). ClinVar contains an entry for this variant (Variation ID: 444439). Based on the evidence outlined above, the variant was classified as likely benign.

Blueprint Genetics
Classification: Likely benign. Last evaluated: 2024-11-25. Review status: criteria provided, single submitter. Criteria: ACMG Guidelines, 2015. Collection method: clinical testing. Allele origin: germline.

CeGaT Center for Human Genetics Tuebingen
Classification: Uncertain significance. Last evaluated: 2017-03-31. Review status: criteria provided, single submitter. Criteria: Praxis fuer Humangenetik Tuebingen - Variant Classification Criteria. Collection method: clinical testing. Allele origin: germline. Affected: yes. Observed: 1 variant allele.

Literature cited by the submitters: PubMed 26141617 (cited by Women's Health and Genetics/Laboratory Corporation of America, LabCorp).